The following is an entry in ClinVar:

ClinVar aggregate classification (germline): Uncertain significance (1 of 4 stars; one submission).

Conditions:
Encephalopathy, acute, infection-induced (herpes-specific), susceptibility to, 1. Also called: Herpes simplex encephalitis, susceptibility to, 1. Identifiers: Orphanet 1930, MedGen C2750180, MONDO:0024563, OMIM 610551.

Allele frequency attached by ClinVar (database versions not stated): gnomAD exomes below 0.00001; TOPMed 0.00001; ExAC 0.00001.
gnomAD v4.1: 2 of 1,614,118 alleles (0.00012%); highest among the groups gnomAD compares: Admixed American, 0.0017%; no homozygotes.

Submission:

Labcorp Genetics (formerly Invitae), Labcorp
Classification: Uncertain significance for Encephalopathy, acute, infection-induced (herpes-specific), susceptibility to, 1. Last evaluated: 2020-04-21. Review status: criteria provided, single submitter. Criteria: Invitae Variant Classification Sherloc (09022015). Collection method: clinical testing. Allele origin: germline.
Comment: This sequence change replaces phenylalanine with leucine at codon 754 of the TLR3 protein (p.Phe754Leu). The phenylalanine residue is highly conserved and there is a small physicochemical difference between phenylalanine and leucine. This variant is present in population databases (rs779435031, ExAC 0.009%). This variant has not been reported in the literature in individuals with TLR3-related conditions. Algorithms developed to predict the effect of missense changes on protein structure and function are either unavailable or do not agree on the potential impact of this missense change (SIFT: "Tolerated"; PolyPhen-2: "Possibly Damaging"; Align-GVGD: "Class C0"). In summary, the available evidence is currently insufficient to determine the role of this variant in disease. Therefore, it has been classified as a Variant of Uncertain Significance.

NM_003265.3(TLR3):c.2260T>C (p.Phe754Leu)

Gene: TLR3 (toll like receptor 3; plus strand). Cytogenetic location: 4q35.1.
Variant type: single nucleotide variant.
Coding change: c.2260T>C on transcript NM_003265.3 (MANE Select); coding-DNA position 2260, T replaced by C.
Protein change: p.Phe754Leu; replaces phenylalanine 754 with leucine.
Molecular consequence: missense variant.
Genome position (GRCh38, 1-based): chr4:186,083,946, T>C. VCF-style: chr4-186083946-T-C. GRCh37 (hg19) VCF-style: chr4-187005100-T-C.
Other names: short protein forms F754L.
Identifiers: ClinVar variation 1001571 (VCV001001571.9), dbSNP rs779435031, ClinGen allele CA3161543.